The following is an entry in ClinVar:

ClinVar aggregate classification (germline): Uncertain significance (1 of 4 stars; one submission).

gnomAD v4.1: 3 of 1,611,944 alleles (0.00019%); highest among the groups gnomAD compares: South Asian, 0.0033%; no homozygotes.

Submission:

GeneDx
Classification: Uncertain significance. Last evaluated: 2024-01-03. Review status: criteria provided, single submitter. Criteria: GeneDx Variant Classification Process June 2021. Collection method: clinical testing. Allele origin: germline. Affected: yes.
Comment: Not observed at significant frequency in large population cohorts (gnomAD); In silico analysis supports that this missense variant does not alter protein structure/function; Has not been previously published as pathogenic or benign to our knowledge

NM_022552.5(DNMT3A):c.844C>A (p.Pro282Thr)

Gene: DNMT3A (DNA methyltransferase 3 alpha; minus strand). Cytogenetic location: 2p23.3.
Variant type: single nucleotide variant.
Coding change: c.844C>A on transcript NM_022552.5 (MANE Select); coding-DNA position 844, C replaced by A.
Protein change: p.Pro282Thr; replaces proline 282 with threonine.
Molecular consequence: missense variant. On other transcripts: non-coding transcript variant (1).
Genome position (GRCh38, 1-based): chr2:25,248,048, G>T on the plus strand (C>A on the coding strand, the complement: DNMT3A is on the minus strand). VCF-style: chr2-25248048-G-T. GRCh37 (hg19) VCF-style: chr2-25470917-G-T.
Other names: c.388C>A, p.Pro130Thr (NM_001320893.1); c.175C>A, p.Pro59Thr (NM_001375819.1); c.277C>A, p.Pro93Thr (NM_153759.3); c.844C>A, p.Pro282Thr (NM_175629.2); short protein forms P130T, P282T, P59T, P93T.
Identifiers: ClinVar variation 3367225 (VCV003367225.1).